The following is an entry in ClinVar:

ClinVar aggregate classification (germline): Likely pathogenic (1 of 4 stars; one submission).

Submission:

Labcorp Genetics (formerly Invitae), Labcorp
Classification: Likely pathogenic. Last evaluated: 2022-05-11. Review status: criteria provided, single submitter. Criteria: Invitae Variant Classification Sherloc (09022015). Collection method: clinical testing. Allele origin: germline.
Comment: This sequence change affects a donor splice site in intron 14 of the LAMC2 gene. It is expected to disrupt RNA splicing. Variants that disrupt the donor or acceptor splice site typically lead to a loss of protein function (PMID: 16199547), and loss-of-function variants in LAMC2 are known to be pathogenic (PMID: 11907499, 16473856). This variant is not present in population databases (gnomAD no frequency). This variant has not been reported in the literature in individuals affected with LAMC2-related conditions. Algorithms developed to predict the effect of sequence changes on RNA splicing suggest that this variant may disrupt the consensus splice site. In summary, the currently available evidence indicates that the variant is pathogenic, but additional data are needed to prove that conclusively. Therefore, this variant has been classified as Likely Pathogenic.

Literature cited by the submitters: PubMed 16199547; PubMed 11907499; PubMed 16473856.

NM_005562.3(LAMC2):c.2220+2T>C

Gene: LAMC2 (laminin subunit gamma 2; plus strand). Cytogenetic location: 1q25.3.
Variant type: single nucleotide variant.
Coding change: c.2220+2T>C on transcript NM_005562.3 (MANE Select); the canonical splice donor site of the intron after coding-DNA position 2220, T replaced by C.
Molecular consequence: splice donor variant.
Genome position (GRCh38, 1-based): chr1:183,232,859, T>C. VCF-style: chr1-183232859-T-C. GRCh37 (hg19) VCF-style: chr1-183201994-T-C.
Other names: c.2220+2T>C (NM_018891.3).
Identifiers: ClinVar variation 2164163 (VCV002164163.4), dbSNP rs1553267060, ClinGen allele CA343693648.